The following is an entry in ClinVar:

NM_004444.5(EPHB4):c.40G>A (p.Ala14Thr)

Genes: EPHB4 (EPH receptor B4; minus strand), SLC12A9 (solute carrier family 12 member 9; plus strand). Cytogenetic location: 7q22.1.
Variant type: single nucleotide variant.
Coding change: c.40G>A on transcript NM_004444.5 (MANE Select); coding-DNA position 40, G replaced by A.
Protein change: p.Ala14Thr; replaces alanine 14 with threonine.
Molecular consequence: missense variant. On other transcripts: 5 prime UTR variant (1).
Genome position (GRCh38, 1-based): chr7:100,826,991, C>T on the plus strand (G>A on the coding strand, the complement: EPHB4 is on the minus strand). VCF-style: chr7-100826991-C-T. GRCh37 (hg19) VCF-style: chr7-100424613-C-T.
Other names: c.-38C>T (NM_001363494.1); short protein forms A14T.
Identifiers: ClinVar variation 1430521 (VCV001430521.10), dbSNP rs139513482, ClinGen allele CA4393486.

ClinVar aggregate classification (germline): Conflicting classifications of pathogenicity. Review status: criteria provided, conflicting classifications (1 of 4 stars). 4 submissions from 4 submitters: Uncertain significance (1); Benign (1); Likely benign (2). Last evaluated 2026-01-13.

Conditions:
Cardiovascular phenotype. Identifiers: MedGen CN230736.
EPHB4-related disorder. Also called: EPHB4-related condition; EPHB4-related disorders.

Allele frequency attached by ClinVar (database versions not stated): gnomAD exomes 0.00026; TOPMed 0.00021; ESP Exome Variant Server 0.00039; gnomAD 0.00022; ExAC 0.00019.
gnomAD v4.1: 407 of 1,567,976 alleles (0.026%); highest among the groups gnomAD compares: Non-Finnish European, 0.032%; no homozygotes.

Submissions (4):

PreventionGenetics, part of Exact Sciences
Classification: Uncertain significance for EPHB4-related condition. Last evaluated: 2026-01-13. Review status: criteria provided, single submitter. Criteria: ACMG Guidelines, 2015. Collection method: clinical testing. Allele origin: germline.
Comment: The EPHB4 c.40G>A variant is predicted to result in the amino acid substitution p.Ala14Thr. To our knowledge, this variant has not been reported in the literature. This variant is reported in 0.028% of alleles in individuals of European (Non-Finnish) descent in gnomAD. At this time, the clinical significance of this variant is uncertain due to the absence of conclusive functional and genetic evidence.

Labcorp Genetics (formerly Invitae), Labcorp
Classification: Likely benign. Last evaluated: 2025-11-24. Review status: criteria provided, single submitter. Criteria: Invitae Variant Classification Sherloc (09022015). Collection method: clinical testing. Allele origin: germline.

Ambry Genetics
Classification: Benign for Cardiovascular phenotype. Last evaluated: 2025-10-07. Review status: criteria provided, single submitter. Criteria: Ambry Variant Classification Scheme 2023. Collection method: clinical testing. Allele origin: germline.

Blueprint Genetics
Classification: Likely benign. Last evaluated: 2023-02-09. Review status: criteria provided, single submitter. Criteria: ACMG Guidelines, 2015. Collection method: clinical testing. Allele origin: germline.